The following is an entry in ClinVar:

NM_002485.5(NBN):c.2261G>A (p.Arg754Lys)

Gene: NBN (nibrin; minus strand). Cytogenetic location: 8q21.3.
Variant type: single nucleotide variant.
Coding change: c.2261G>A on transcript NM_002485.5 (MANE Select); coding-DNA position 2261, G replaced by A.
Protein change: p.Arg754Lys; replaces arginine 754 with lysine.
Molecular consequence: missense variant.
Genome position (GRCh38, 1-based): chr8:89,935,586, C>T on the plus strand (G>A on the coding strand, the complement: NBN is on the minus strand). VCF-style: chr8-89935586-C-T. GRCh37 (hg19) VCF-style: chr8-90947814-C-T.
Other names: c.2015G>A, p.Arg672Lys (NM_001024688.3); short protein forms R754K, R672K.
Identifiers: ClinVar variation 3877911 (VCV003877911.1).

ClinVar aggregate classification (germline): Uncertain significance (1 of 4 stars; one submission).

Conditions:
Hereditary cancer-predisposing syndrome. Also called: Tumor predisposition; Neoplastic Syndromes, Hereditary; Hereditary Cancer Syndrome; Hereditary neoplastic syndrome. Identifiers: Orphanet 140162, MedGen C0027672, MeSH D009386, MONDO:0015356.

Submission:

Ambry Genetics
Classification: Uncertain significance for Hereditary cancer-predisposing syndrome. Last evaluated: 2025-03-10. Review status: criteria provided, single submitter. Criteria: Ambry Variant Classification Scheme 2023. Collection method: clinical testing. Allele origin: germline.
Comment: The p.R754K variant (also known as c.2261G>A), located in coding exon 16 of the NBN gene, results from a G to A substitution at nucleotide position 2261. The arginine at codon 754 is replaced by lysine, an amino acid with highly similar properties. This amino acid position is conserved. In addition, the in silico prediction for this alteration is inconclusive. Based on the available evidence, the clinical significance of this variant remains unclear.